The following is an entry in ClinVar:

NM_001365951.3(KIF1B):c.2576C>T (p.Ala859Val)

Gene: KIF1B (kinesin family member 1B; plus strand). Cytogenetic location: 1p36.22.
Variant type: single nucleotide variant.
Coding change: c.2576C>T on transcript NM_001365951.3 (MANE Select); coding-DNA position 2576, C replaced by T.
Protein change: p.Ala859Val; replaces alanine 859 with valine.
Molecular consequence: missense variant.
Genome position (GRCh38, 1-based): chr1:10,324,796, C>T. VCF-style: chr1-10324796-C-T. GRCh37 (hg19) VCF-style: chr1-10384854-C-T.
Other names: c.2576C>T, p.Ala859Val (NM_001365952.1); c.2438C>T, p.Ala813Val (NM_015074.3); short protein forms A813V, A859V.
Identifiers: ClinVar variation 3288390 (VCV003288390.1).
Genomic context (GRCh38, chr1:10,324,796, plus strand): 5'-GTGCTTTGTGTTTACTAAATAGGCAGAGGCTGGATTTGATGCGAGAGATGTATGATAGGG[C>T]AGGGGAGATGGCCTCCAGTGCCCAAGACGAAAGCGAAACCACTGTGACTGGCAGCGATCC-3'
Protein context (NP_001352880.1, residues 849-869): LDLMREMYDR[Ala859Val]GEMASSAQDE

ClinVar aggregate classification (germline): Uncertain significance (1 of 4 stars; one submission).

Submission:

Ambry Genetics
Classification: Uncertain significance. Last evaluated: 2024-06-17. Review status: criteria provided, single submitter. Criteria: Ambry Variant Classification Scheme 2023. Collection method: clinical testing. Allele origin: germline.
Comment: The p.A813V variant (also known as c.2438C>T), located in coding exon 23 of the KIF1B gene, results from a C to T substitution at nucleotide position 2438. The alanine at codon 813 is replaced by valine, an amino acid with similar properties. This amino acid position is highly conserved in available vertebrate species. In addition, this alteration is predicted to be deleterious by in silico analysis. The evidence for this gene-disease relationship is limited; therefore, the clinical significance of this alteration is unclear.